The following is an entry in ClinVar:

ClinVar aggregate classification (germline): Uncertain significance. Review status: criteria provided, multiple submitters, no conflicts (2 of 4 stars). 2 submissions from 2 submitters: Uncertain significance (2). Last evaluated 2025-04-14.

Conditions:
Hereditary cancer-predisposing syndrome. Also called: Neoplastic Syndromes, Hereditary; Tumor predisposition; Hereditary Cancer Syndrome; Hereditary neoplastic syndrome. Identifiers: Orphanet 140162, MedGen C0027672, MeSH D009386, MONDO:0015356.

Allele frequency attached by ClinVar (database versions not stated): TOPMed below 0.00001.
gnomAD v4.1: 2 of 1,613,902 alleles (0.00012%); highest among the groups gnomAD compares: East Asian, 0.0022%; no homozygotes.

Submissions (2):

Labcorp Genetics (formerly Invitae), Labcorp
Classification: Uncertain significance for Hereditary cancer-predisposing syndrome. Last evaluated: 2025-04-14. Review status: criteria provided, single submitter. Criteria: Invitae Variant Classification Sherloc (09022015). Collection method: clinical testing. Allele origin: germline.
Comment: This sequence change replaces threonine, which is neutral and polar, with isoleucine, which is neutral and non-polar, at codon 532 of the RAD50 protein (p.Thr532Ile). This variant is not present in population databases (gnomAD no frequency). This variant has not been reported in the literature in individuals affected with RAD50-related conditions. ClinVar contains an entry for this variant (Variation ID: 233625). Invitae Evidence Modeling of protein sequence and biophysical properties (such as structural, functional, and spatial information, amino acid conservation, physicochemical variation, residue mobility, and thermodynamic stability) indicates that this missense variant is expected to disrupt RAD50 protein function with a positive predictive value of 80%. In summary, the available evidence is currently insufficient to determine the role of this variant in disease. Therefore, it has been classified as a Variant of Uncertain Significance.

Ambry Genetics
Classification: Uncertain significance for Hereditary cancer-predisposing syndrome. Last evaluated: 2022-12-14. Review status: criteria provided, single submitter. Criteria: Ambry Variant Classification Scheme 2023. Collection method: clinical testing. Allele origin: germline.
Comment: The p.T532I variant (also known as c.1595C>T), located in coding exon 10 of the RAD50 gene, results from a C to T substitution at nucleotide position 1595. The threonine at codon 532 is replaced by isoleucine, an amino acid with similar properties. This amino acid position is highly conserved in available vertebrate species. In addition, the in silico prediction for this alteration is inconclusive. Since supporting evidence is limited at this time, the clinical significance of this alteration remains unclear.

NM_005732.4(RAD50):c.1595C>T (p.Thr532Ile)

Gene: RAD50 (RAD50 double strand break repair protein; plus strand). Cytogenetic location: 5q31.1.
Variant type: single nucleotide variant.
Coding change: c.1595C>T on transcript NM_005732.4 (MANE Select); coding-DNA position 1595, C replaced by T.
Protein change: p.Thr532Ile; replaces threonine 532 with isoleucine.
Molecular consequence: missense variant.
Genome position (GRCh38, 1-based): chr5:132,591,366, C>T. VCF-style: chr5-132591366-C-T. GRCh37 (hg19) VCF-style: chr5-131927058-C-T.
Other names: short protein forms T532I.
Identifiers: ClinVar variation 233625 (VCV000233625.13), dbSNP rs768816602, ClinGen allele CA10578535.